The following is an entry in ClinVar:

NM_001167856.3(SBNO1):c.132+4A>C

Gene: SBNO1 (strawberry notch homolog 1; minus strand). Cytogenetic location: 12q24.31.
Variant type: single nucleotide variant.
Coding change: c.132+4A>C on transcript NM_001167856.3 (MANE Select); 4 bases into the intron after coding-DNA position 132, A replaced by C.
Molecular consequence: intron variant.
Genome position (GRCh38, 1-based): chr12:123,350,306, T>G on the plus strand (A>C on the coding strand, the complement: SBNO1 is on the minus strand). VCF-style: chr12-123350306-T-G. GRCh37 (hg19) VCF-style: chr12-123834853-T-G.
Other names: c.132+4A>C (NM_018183.5).
Identifiers: ClinVar variation 161548 (VCV000161548.2), dbSNP rs193920847, ClinGen allele CA174316.
Genomic context (GRCh38, chr12:123,350,306, plus strand): 5'-TATCTTAAAAAAAAATACTGTAAGCGGAAATCACTAAGAAAGAGAGGCTTTGGAAAACTC[T>G]TACCTGCTGAACTGACGGGGTAGGCATTGGAGTTGCAAGCCCTGCATCTCCACCATCAAT-3'

ClinVar aggregate classification (germline): Uncertain significance (0 of 4 stars; one submission).

Conditions:
Prostate cancer. Also called: Malignant tumor of prostate. Identifiers: Orphanet 1331, MedGen C0376358, MONDO:0008315, HP:0012125.

Submission:

Science for Life laboratory,  Karolinska Institutet
Classification: Uncertain significance for Malignant tumor of prostate. Review status: no assertion criteria provided. Collection method: not provided. Allele origin: somatic.
Comment: TumorID:SWE-15
ClinVar note: Converted during submission from Unknown to Uncertain significance.